The following is an entry in ClinVar:

NM_001145358.2(SIN3A):c.3510G>C (p.Lys1170Asn)

Gene: SIN3A (SIN3 transcription regulator family member A; minus strand). Cytogenetic location: 15q24.2.
Variant type: single nucleotide variant.
Coding change: c.3510G>C on transcript NM_001145358.2 (MANE Select); coding-DNA position 3510, G replaced by C.
Protein change: p.Lys1170Asn; replaces lysine 1170 with asparagine.
Molecular consequence: missense variant.
Genome position (GRCh38, 1-based): chr15:75,375,746, C>G on the plus strand (G>C on the coding strand, the complement: SIN3A is on the minus strand). VCF-style: chr15-75375746-C-G. GRCh37 (hg19) VCF-style: chr15-75668087-C-G.
Other names: c.3510G>C, p.Lys1170Asn (NM_001145357.2, NM_015477.3); short protein forms K1170N.
Identifiers: ClinVar variation 1994159 (VCV001994159.4), dbSNP rs2542997170, ClinGen allele CA393485561.

ClinVar aggregate classification (germline): Uncertain significance (1 of 4 stars; one submission).

Submission:

Labcorp Genetics (formerly Invitae), Labcorp
Classification: Uncertain significance. Last evaluated: 2022-07-25. Review status: criteria provided, single submitter. Criteria: Invitae Variant Classification Sherloc (09022015). Collection method: clinical testing. Allele origin: germline.
Comment: In summary, the available evidence is currently insufficient to determine the role of this variant in disease. Therefore, it has been classified as a Variant of Uncertain Significance. This sequence change replaces lysine, which is basic and polar, with asparagine, which is neutral and polar, at codon 1170 of the SIN3A protein (p.Lys1170Asn). This variant is not present in population databases (gnomAD no frequency). This variant has not been reported in the literature in individuals affected with SIN3A-related conditions. Algorithms developed to predict the effect of missense changes on protein structure and function (SIFT, PolyPhen-2, Align-GVGD) all suggest that this variant is likely to be tolerated.